The following is an entry in ClinVar:

NM_173348.2(FAM149B1):c.-29GGA[6] (p.Met1del)

Gene: FAM149B1 (family with sequence similarity 149 member B1; plus strand). Cytogenetic location: 10q22.2.
Variant type: Microsatellite.
Coding change: c.-29GGA[6] on transcript NM_173348.2 (MANE Select); six copies in a row of the 3-base unit GGA starting at c.-29; the reference has ten copies in a row; four copies, 12 bases deleted.
Protein change: p.Met1del; deletes methionine 1.
Molecular consequence: inframe deletion, initiator codon variant.
Genome position (GRCh38, 1-based): chr10:73,168,329-73,168,340, GGAGGAGGAGGA deleted; deleting any 12 consecutive bases within chr10:73,168,309-73,168,340 gives the same sequence; the position shown is the placement nearest the transcript's 3' end. VCF-style (leftmost placement, unchanged base first): chr10-73168308-TGAGGAGGAGGAG-T. GRCh37 (hg19) VCF-style: chr10-74928066-TGAGGAGGAGGAG-T.
Other names: short protein forms M1del.
Identifiers: ClinVar variation 4983037 (VCV004983037.1).
Genomic context (GRCh38, chr10:73,168,308, plus strand): 5'-AGCCGGCGGGAGGGCCAGGCCCGGAGGCCCCCACCCTGGCGTGCCTGCCCCGGCCGCGGC[TGAGGAGGAGGAG>T]GAGGAGGAGGAGGAGGAGGATGATCTCCAGATACACTCGGAAGGCGGTGCCACAGAGCTT-3'

ClinVar aggregate classification (germline): Likely benign (1 of 4 stars; one submission).

Conditions:
FAM149B1-related disorder. Also called: FAM149B1-related condition.

Submission:

PreventionGenetics, part of Exact Sciences
Classification: Likely benign for FAM149B1-related condition. Last evaluated: 2024-12-09. Review status: criteria provided, single submitter. Criteria: ACMG Guidelines, 2015. Collection method: clinical testing. Allele origin: germline.
Comment: This variant is classified as likely benign based on ACMG/AMP sequence variant interpretation guidelines (Richards et al. 2015 PMID: 25741868, with internal and published modifications).